The following is an entry in ClinVar:

NM_000548.5(TSC2):c.2742+5G>A

Gene: TSC2 (TSC complex subunit 2; plus strand). Cytogenetic location: 16p13.3.
Variant type: single nucleotide variant.
Coding change: c.2742+5G>A on transcript NM_000548.5 (MANE Select); 5 bases into the intron after coding-DNA position 2742, G replaced by A.
Molecular consequence: intron variant.
Genome position (GRCh38, 1-based): chr16:2,076,175, G>A. VCF-style: chr16-2076175-G-A. GRCh37 (hg19) VCF-style: chr16-2126176-G-A.
Other names: c.2742+5G>A (NM_001114382.3, NM_021055.3, NM_001370405.1 and 3 more transcripts); c.2631+5G>A (NM_001318827.2); c.2142+5G>A (NM_001318831.2); c.2595+5G>A (NM_001318829.2); c.2775+5G>A (NM_001318832.2).
Identifiers: ClinVar variation 65101 (VCV000065101.7), dbSNP rs397515076, ClinGen allele CA018002.

ClinVar aggregate classification (germline): Pathogenic. Review status: criteria provided, single submitter (1 of 4 stars). 2 submissions from 2 submitters: Pathogenic (1). 1 of the submissions does not count toward it. Last evaluated 2023-02-09.

Conditions:
Tuberous sclerosis 2 (TSC2). Identifiers: Orphanet 805, MedGen C1860707, MONDO:0013199, OMIM 613254.
Tuberous sclerosis syndrome (TSC). Also called: Tuberous Sclerosis Complex; Tuberous sclerosis. Identifiers: Orphanet 805, MedGen C0041341, MONDO:0001734.

Submissions (2):

Labcorp Genetics (formerly Invitae), Labcorp
Classification: Pathogenic for Tuberous sclerosis 2. Last evaluated: 2023-02-09. Review status: criteria provided, single submitter. Criteria: Invitae Variant Classification Sherloc (09022015). Collection method: clinical testing. Allele origin: germline.
Comment: For these reasons, this variant has been classified as Pathogenic. Variants that disrupt the consensus splice site are a relatively common cause of aberrant splicing (PMID: 17576681, 9536098). Algorithms developed to predict the effect of sequence changes on RNA splicing suggest that this variant may disrupt the consensus splice site. ClinVar contains an entry for this variant (Variation ID: 65101). This variant has been observed in individual(s) with clinical features of tuberous sclerosis complex (Invitae). In at least one individual the variant was observed to be de novo. This sequence change falls in intron 24 of the TSC2 gene. It does not directly change the encoded amino acid sequence of the TSC2 protein. It affects a nucleotide within the consensus splice site. This variant is not present in population databases (gnomAD no frequency).

Tuberous sclerosis database (TSC2)
No classification provided. Condition: TSC. Review status: no classification provided. Criteria: Tuberous Sclerosis Database Assertion Criteria 2015. Collection method: curation. Allele origin: germline. Affected: yes. Not counted in ClinVar's aggregate classification.

Literature cited by the submitters: PubMed 17576681 (cited by Labcorp Genetics (formerly Invitae), Labcorp); PubMed 9536098 (cited by Labcorp Genetics (formerly Invitae), Labcorp).